The following is an entry in ClinVar:

ClinVar aggregate classification (germline): Uncertain significance (1 of 4 stars; one submission).

Conditions:
Familial hemophagocytic lymphohistiocytosis 2 (FHL2). Also called: PRF1-Related Familial Hemophagocytic Lymphohistiocytosis (PRF1-fHLH). Identifiers: Orphanet 540, MedGen C1863727, MONDO:0011337, OMIM 603553.

gnomAD v4.1: 1 of 1,614,248 alleles (0.000062%); no homozygotes.

Submission:

Labcorp Genetics (formerly Invitae), Labcorp
Classification: Uncertain significance for Familial hemophagocytic lymphohistiocytosis 2. Last evaluated: 2020-02-11. Review status: criteria provided, single submitter. Criteria: Invitae Variant Classification Sherloc (09022015). Collection method: clinical testing. Allele origin: germline.
Comment: This sequence change replaces lysine with glutamine at codon 287 of the PRF1 protein (p.Lys287Gln). The lysine residue is moderately conserved and there is a small physicochemical difference between lysine and glutamine. This variant is not present in population databases (ExAC no frequency). This variant has not been reported in the literature in individuals with PRF1-related conditions. Algorithms developed to predict the effect of missense changes on protein structure and function (SIFT, PolyPhen-2, Align-GVGD) all suggest that this variant is likely to be tolerated, but these predictions have not been confirmed by published functional studies and their clinical significance is uncertain. In summary, the available evidence is currently insufficient to determine the role of this variant in disease. Therefore, it has been classified as a Variant of Uncertain Significance.

NM_001083116.3(PRF1):c.859A>C (p.Lys287Gln)

Gene: PRF1 (perforin 1; minus strand). Cytogenetic location: 10q22.1.
Variant type: single nucleotide variant.
Coding change: c.859A>C on transcript NM_001083116.3 (MANE Select); coding-DNA position 859, A replaced by C.
Protein change: p.Lys287Gln; replaces lysine 287 with glutamine.
Molecular consequence: missense variant.
Genome position (GRCh38, 1-based): chr10:70,598,862, T>G on the plus strand (A>C on the coding strand, the complement: PRF1 is on the minus strand). VCF-style: chr10-70598862-T-G. GRCh37 (hg19) VCF-style: chr10-72358618-T-G.
Other names: c.859A>C, p.Lys287Gln (NM_005041.6); short protein forms K287Q.
Identifiers: ClinVar variation 1057445 (VCV001057445.9), dbSNP rs2132476286, ClinGen allele CA376958152.